The following is an entry in ClinVar:

ClinVar aggregate classification (germline): Pathogenic (1 of 4 stars; one submission).

Conditions:
Fanconi anemia (FA). Also called: Fanconi's anemia. Identifiers: Orphanet 84, MedGen C0015625, MeSH D005199, MONDO:0019391.

Submission:

Labcorp Genetics (formerly Invitae), Labcorp
Classification: Pathogenic for Fanconi anemia. Last evaluated: 2020-12-14. Review status: criteria provided, single submitter. Criteria: Invitae Variant Classification Sherloc (09022015). Collection method: clinical testing. Allele origin: germline.
Comment: This variant is not present in population databases (ExAC no frequency). For these reasons, this variant has been classified as Pathogenic. This variant has not been reported in the literature in individuals with FANCA-related conditions. This sequence change creates a premature translational stop signal (p.Lys1247Asnfs*31) in the FANCA gene. It is expected to result in an absent or disrupted protein product. Loss-of-function variants in FANCA are known to be pathogenic (PMID: 19367192).

Literature cited by the submitters: PubMed 19367192.

NM_000135.4(FANCA):c.3740_3741insT (p.Lys1247fs)

Gene: FANCA (FA complementation group A; minus strand). Cytogenetic location: 16q24.3.
Variant type: Insertion.
Coding change: c.3740_3741insT on transcript NM_000135.4 (MANE Select); coding-DNA positions 3740 to 3741, T inserted.
Protein change: p.Lys1247fs; shifts the reading frame from lysine 1247.
Molecular consequence: frameshift variant.
Genome position: GRCh38 VCF-style: chr16-89742824-C-CA. GRCh37 (hg19) VCF-style: chr16-89809232-C-CA.
Other names: c.3740_3741insT, p.Lys1247fs (NM_001286167.3); short protein forms K1247fs.
Identifiers: ClinVar variation 1460107 (VCV001460107.6), dbSNP rs2143060935, ClinGen allele CA2573152930.
Genomic context (GRCh38, chr16:89,742,824, plus strand): 5'-GAGAAAATAAATCAGTAAAAGAATTTCCTATCTTGCCTCCTCTCTCTCGCAGTCCAGCTT[C>CA]TTTAGCTGCTTCCTGATGTTTTCTTCCCTGACTTGTTGAATCGCAAAGTGCAGTGCAGCA-3'